The following is an entry in ClinVar:

NM_000142.5(FGFR3):c.1861C>T (p.Arg621Cys)

Gene: FGFR3 (fibroblast growth factor receptor 3; plus strand). Cytogenetic location: 4p16.3.
Variant type: single nucleotide variant.
Coding change: c.1861C>T on transcript NM_000142.5 (MANE Select); coding-DNA position 1861, C replaced by T.
Protein change: p.Arg621Cys; replaces arginine 621 with cysteine.
Molecular consequence: missense variant. On other transcripts: non-coding transcript variant (1).
Genome position (GRCh38, 1-based): chr4:1,806,075, C>T. VCF-style: chr4-1806075-C-T. GRCh37 (hg19) VCF-style: chr4-1807802-C-T.
Other names: c.1867C>T, p.Arg623Cys (NM_001163213.2); c.1864C>T, p.Arg622Cys (NM_001354809.2, NM_001354810.2); c.1525C>T, p.Arg509Cys (NM_022965.4); c.1861C>T (NM_000142.4); short protein forms R509C, R621C, R622C, R623C.
Identifiers: ClinVar variation 1680110 (VCV001680110.11), dbSNP rs2108806537, ClinGen allele CA355982305.

ClinVar aggregate classification (germline): Conflicting classifications of pathogenicity. Review status: criteria provided, conflicting classifications (1 of 4 stars). 4 submissions from 4 submitters: Pathogenic (1); Likely pathogenic (2); Uncertain significance (1). Last evaluated 2026-06-23.

Conditions:
FGFR3-related chondrodysplasia. Identifiers: Orphanet 93420, MedGen C5681604, MONDO:0019685.
Camptodactyly-tall stature-scoliosis-hearing loss syndrome. Also called: CATSHL SYNDROME. Identifiers: Orphanet 85164, MedGen C1864852, MONDO:0012504, OMIM 610474.

Submissions (4):

Genomenon, Inc
Classification: Likely pathogenic for FGFR3-related chondrodysplasia. Last evaluated: 2026-06-23. Review status: criteria provided, single submitter. Criteria: Genomenon Sequence Variant Interpretation Standards - Updated. Collection method: curation. Allele origin: germline. Affected: yes.
Comment: FGFR3 p.Arg621Cys (c.1861C>T) is a missense variant that changes the amino acid at codon 621 from Arginine to Cysteine. This variant has been observed in at least one proband with camptodactyly-tall stature-scoliosis-hearing loss syndrome (PMID:37990933). The variant was found to segregate with disease in at least one affected family (PMID:37990933). The presence of pathogenic/likely pathogenic missense variant(s) at the same amino acid position indicates that this residue is likely important for protein function. It is absent or not present at a significant frequency in gnomAD. In silico models predict that this variant is possibly or probably damaging. In conclusion, we classify FGFR3 p.Arg621Cys (c.1861C>T) as a likely pathogenic variant.

Labcorp Genetics (formerly Invitae), Labcorp
Classification: Pathogenic. Last evaluated: 2025-09-02. Review status: criteria provided, single submitter. Criteria: Invitae Variant Classification Sherloc (09022015). Collection method: clinical testing. Allele origin: germline.
Comment: This sequence change replaces arginine, which is basic and polar, with cysteine, which is neutral and slightly polar, at codon 621 of the FGFR3 protein (p.Arg621Cys). This variant is not present in population databases (gnomAD no frequency). This missense change has been observed in individuals with camptodactyly, tall stature, and hearing loss (CATSHL) syndrome (PMID: 37990933; internal data). It has also been observed to segregate with disease in related individuals. ClinVar contains an entry for this variant (Variation ID: 1680110). Invitae Evidence Modeling of protein sequence and biophysical properties (such as structural, functional, and spatial information, amino acid conservation, physicochemical variation, residue mobility, and thermodynamic stability) indicates that this missense variant is expected to disrupt FGFR3 protein function with a positive predictive value of 95%. This variant disrupts the p.Arg621 amino acid residue in FGFR3. Other variant(s) that disrupt this residue have been determined to be pathogenic (PMID: 17033969, 27139183). This suggests that this residue is clinically significant, and that variants that disrupt this residue are likely to be disease-causing. For these reasons, this variant has been classified as Pathogenic.

GeneDx
Classification: Uncertain significance. Last evaluated: 2025-02-24. Review status: criteria provided, single submitter. Criteria: GeneDx Variant Classification Process June 2021. Collection method: clinical testing. Allele origin: germline. Affected: yes.
Comment: Reported in a cohort of individuals with skeletal disorders; however, additional clinical information was not provided (PMID: 38702915); Identified in the heterozygous state in an individual and their father with clinical features of CATSHL syndrome (PMID: 37990933); In silico analysis supports that this missense variant has a deleterious effect on protein structure/function; Not observed at significant frequency in large population cohorts (gnomAD); This variant is associated with the following publications: (PMID: 38702915, 37990933)

3billion
Classification: Likely pathogenic for Camptodactyly-tall stature-scoliosis-hearing loss syndrome. Last evaluated: 2025-01-18. Review status: criteria provided, single submitter. Criteria: ACMG Guidelines, 2015. Collection method: clinical testing. Allele origin: germline. Affected: yes.
Comment: The variant is not observed in the gnomAD v4.1.0 dataset. Predicted Consequence/Location: Missense variant. Missense changes are a common disease-causing mechanism. In silico tool predictions suggest damaging effect of the variant on gene or gene product [REVEL: 0.92 (>=0.6, sensitivity 0.68 and specificity 0.92); 3Cnet: 0.99 (>=0.6, sensitivity 0.72 and precision 0.9)]. The same nucleotide change resulting in the same amino acid change has been previously reported to be associated with FGFR3-related disorder (ClinVar ID: VCV001680110).A different missense change at the same codon (p.Arg621His) has been reported to be associated with FGFR3-related disorder (ClinVar ID: VCV000016355 /PMID: 17033969). Therefore, this variant is classified as Likely pathogenic according to the recommendation of ACMG/AMP guideline.

Literature cited by the submitters: PubMed 37990933 (cited by Genomenon, Inc and Labcorp Genetics (formerly Invitae), Labcorp); PubMed 39498320 (cited by Genomenon, Inc); PubMed 17033969 (cited by Labcorp Genetics (formerly Invitae), Labcorp and 3billion); PubMed 27139183 (cited by Labcorp Genetics (formerly Invitae), Labcorp).